The following is an entry in ClinVar:

NM_000492.4(CFTR):c.2280G>A (p.Thr760=)

Gene: CFTR (CF transmembrane conductance regulator; plus strand). Cytogenetic location: 7q31.2.
Variant type: single nucleotide variant.
Coding change: c.2280G>A on transcript NM_000492.4 (MANE Select); coding-DNA position 2280, G replaced by A.
Protein change: p.Thr760=; no amino-acid change (threonine 760 retained).
Molecular consequence: synonymous variant.
Genome position (GRCh38, 1-based): chr7:117,592,447, G>A. VCF-style: chr7-117592447-G-A. GRCh37 (hg19) VCF-style: chr7-117232501-G-A.
Identifiers: ClinVar variation 633169 (VCV000633169.24), dbSNP rs138634146, ClinGen allele CA4451166.

ClinVar aggregate classification (germline): Conflicting classifications of pathogenicity. Review status: criteria provided, conflicting classifications (1 of 4 stars). 6 submissions from 6 submitters: Uncertain significance (1); Likely benign (5). Last evaluated 2026-01-08.

Conditions:
Cystic fibrosis (CF). Also called: MUCOVISCIDOSIS. Identifiers: Orphanet 586, MedGen C0010674, MONDO:0009061, OMIM 219700. Disease mechanism: loss of function.
CFTR-related disorder (CFTR-RD). Also called: CFTR-related condition; CFTR-related disorders. Identifiers: MedGen C5924204, MONDO:7770004.

Allele frequency attached by ClinVar (database versions not stated): gnomAD 0.00001 and 0.00003; TOPMed 0.00001; gnomAD exomes 0.00004; ExAC 0.00006; ESP Exome Variant Server 0.00008.
gnomAD v4.1: 50 of 1,595,112 alleles (0.0031%); highest among the groups gnomAD compares: South Asian, 0.042%; 1 homozygote.

Submissions (6):

PreventionGenetics, part of Exact Sciences
Classification: Likely benign for CFTR-related condition. Last evaluated: 2026-01-08. Review status: criteria provided, single submitter. Criteria: ACMG Guidelines, 2015. Collection method: clinical testing. Allele origin: germline.
Comment: This variant is classified as likely benign based on ACMG/AMP sequence variant interpretation guidelines (Richards et al. 2015 PMID: 25741868, with internal and published modifications).

Labcorp Genetics (formerly Invitae), Labcorp
Classification: Likely benign for Cystic fibrosis. Last evaluated: 2025-10-28. Review status: criteria provided, single submitter. Criteria: Invitae Variant Classification Sherloc (09022015). Collection method: clinical testing. Allele origin: germline.

Genome-Nilou Lab
Classification: Likely benign for Cystic fibrosis. Last evaluated: 2021-07-22. Review status: criteria provided, single submitter. Criteria: ACMG Guidelines, 2015. Collection method: clinical testing. Allele origin: germline. Affected: no.

Women's Health and Genetics/Laboratory Corporation of America, LabCorp
Classification: Likely benign. Last evaluated: 2019-08-28. Review status: criteria provided, single submitter. Criteria: LabCorp Variant Classification Summary - May 2015. Collection method: clinical testing. Allele origin: germline.

ARUP Laboratories, Molecular Genetics and Genomics, ARUP Laboratories
Classification: Uncertain significance. Last evaluated: 2018-10-31. Review status: criteria provided, single submitter. Criteria: ARUP Molecular Germline Variant Investigation Process. Collection method: clinical testing. Allele origin: germline.
Comment: The CFTR c.2280G>A; p.Thr760Thr variant (rs138634146) is reported in the literature in a single individual affected with chronic pancreatitis (Midha 2010). This variant is observed on only 10 chromosomes in the Genome Aggregation Database, indicating it is not a common polymorphism. This is a synonymous variant in a weakly conserved nucleotide, and computational analyses (Alamut v.2.11) predict that this variant does not alter splicing. When this variant was transfected into cultured bronchial epithelial cells (CFBE41o-) derived from a CF patient homozygous for p.Phe508del, expression analyses suggested the p.Thr760Thr variant led to a reduction in CFTR mRNA, although the amount of CFTR protein was within normal parameters for the cell type (Kirchner 2017). Due to limited information, the clinical significance of the p.Thr760Thr variant is uncertain at this time. References: Kirchner S et al. Alteration of protein function by a silent polymorphism linked to tRNA abundance. PLoS Biol. 2017 May 16;15(5):e2000779. Midha S et al. Idiopathic chronic pancreatitis in India: phenotypic characterisation and strong genetic susceptibility due to SPINK1 and CFTR gene mutations. Gut. 2010 Jun;59(6):800-7.

Ambry Genetics
Classification: Likely benign for Cystic fibrosis. Last evaluated: 2015-05-04. Review status: criteria provided, single submitter. Criteria: Ambry Variant Classification Scheme 2023. Collection method: clinical testing. Allele origin: germline.

Literature cited by the submitters: PubMed 20551465 (cited by Ambry Genetics); PubMed 22327961 (cited by Ambry Genetics).